The following is an entry in ClinVar:

NM_001148.6(ANK2):c.10612A>G (p.Ile3538Val)

Gene: ANK2 (ankyrin 2; plus strand). Cytogenetic location: 4q26.
Variant type: single nucleotide variant.
Coding change: c.10612A>G on transcript NM_001148.6 (MANE Select); coding-DNA position 10612, A replaced by G.
Protein change: p.Ile3538Val; replaces isoleucine 3538 with valine.
Molecular consequence: missense variant. On other transcripts: intron variant (68).
Genome position (GRCh38, 1-based): chr4:113,359,230, A>G. VCF-style: chr4-113359230-A-G. GRCh37 (hg19) VCF-style: chr4-114280386-A-G.
Other names: c.10378A>G, p.Ile3460Val (NM_001386142.1); c.7012A>G, p.Ile2338Val (NM_001386166.1); c.10753A>G, p.Ile3585Val (NM_001386174.1); c.10729A>G, p.Ile3577Val (NM_001386175.1); c.4412-1593A>G (NM_001386186.2, NM_001386148.2); c.4214-1593A>G (NM_001354269.3); c.4292-1593A>G (NM_001386187.2); c.4253-1593A>G (NM_001386147.1); and 35 more; short protein forms I2338V, I3538V, I3460V, I3585V, I3577V.
Identifiers: ClinVar variation 1523966 (VCV001523966.8), dbSNP rs2154031500, ClinGen allele CA357940808.
Genomic context (GRCh38, chr4:113,359,230, plus strand): 5'-AATCTGCCACCTGTTGAGACCGAGCACTCAGTTCCTGAGGACATCTTTGACACAAGGCCC[A>G]TTTGGGATGAGTCTATTGAGACTCTGATTGAACGCATCCCTGATGAAAATGGCCATGACC-3'
Protein context (NP_001139.3, residues 3528-3548): VPEDIFDTRP[Ile3538Val]WDESIETLIE

ClinVar aggregate classification (germline): Uncertain significance (1 of 4 stars; one submission).

Conditions:
Long QT syndrome (LQTS). Identifiers: MedGen C0023976, MeSH D008133, MONDO:0002442. Disease mechanism: loss of function. Inheritance: Various modes of inheritance.

Submission:

Labcorp Genetics (formerly Invitae), Labcorp
Classification: Uncertain significance for Long QT syndrome. Last evaluated: 2021-06-24. Review status: criteria provided, single submitter. Criteria: Invitae Variant Classification Sherloc (09022015). Collection method: clinical testing. Allele origin: germline.
Comment: Algorithms developed to predict the effect of missense changes on protein structure and function are either unavailable or do not agree on the potential impact of this missense change (SIFT: "Tolerated"; PolyPhen-2: "Probably Damaging"; Align-GVGD: "Class C0"). This variant has not been reported in the literature in individuals with ANK2-related conditions. This variant is not present in population databases (ExAC no frequency). This sequence change replaces isoleucine with valine at codon 3538 of the ANK2 protein (p.Ile3538Val). The isoleucine residue is moderately conserved and there is a small physicochemical difference between isoleucine and valine. In summary, the available evidence is currently insufficient to determine the role of this variant in disease. Therefore, it has been classified as a Variant of Uncertain Significance.